The following is an entry in ClinVar:

NM_033305.3(VPS13A):c.8029_8035+5del

Gene: VPS13A (vacuolar protein sorting 13 homolog A; plus strand). Cytogenetic location: 9q21.2.
Variant type: Deletion.
Coding change: c.8029_8035+5del on transcript NM_033305.3 (MANE Select); coding-DNA position 8029 through 5 bases into the intron after coding-DNA position 8035, 12 bases deleted (GATTCAGGTTTG).
Molecular consequence: splice donor variant.
Genome position (GRCh38, 1-based): chr9:77,358,432-77,358,443, GATTCAGGTTTG deleted; deleting any 12 consecutive bases within chr9:77,358,430-77,358,443 gives the same sequence; the c. name uses the placement nearest the transcript's 3' end. VCF-style (leftmost placement, unchanged base first): chr9-77358429-ATGGATTCAGGTT-A. GRCh37 (hg19) VCF-style: chr9-79973345-ATGGATTCAGGTT-A.
Other names: c.7912_7918+5del (NM_001018037.2); c.8029_8035+5del (NM_015186.4, NM_001018038.3).
Identifiers: ClinVar variation 2056114 (VCV002056114.4), dbSNP rs2538153727, ClinGen allele CA2580080664.

ClinVar aggregate classification (germline): Likely pathogenic (1 of 4 stars; one submission).

Submission:

Labcorp Genetics (formerly Invitae), Labcorp
Classification: Likely pathogenic. Last evaluated: 2021-12-23. Review status: criteria provided, single submitter. Criteria: Invitae Variant Classification Sherloc (09022015). Collection method: clinical testing. Allele origin: germline.
Comment: This variant results in the deletion of part of exon 57 (c.8029_8035+5del) of the VPS13A gene. It is expected to disrupt RNA splicing. Variants that disrupt the donor or acceptor splice site typically lead to a loss of protein function (PMID: 16199547), and loss-of-function variants in VPS13A are known to be pathogenic (PMID: 12404112, 21598378). This variant is not present in population databases (gnomAD no frequency). This variant has not been reported in the literature in individuals affected with VPS13A-related conditions. Algorithms developed to predict the effect of sequence changes on RNA splicing suggest that this variant may disrupt the consensus splice site. In summary, the currently available evidence indicates that the variant is pathogenic, but additional data are needed to prove that conclusively. Therefore, this variant has been classified as Likely Pathogenic.

Literature cited by the submitters: PubMed 16199547; PubMed 12404112; PubMed 21598378.